The following is an entry in ClinVar:

NM_002485.5(NBN):c.2132_2134delinsTTT (p.His711_His712delinsLeuTyr)

Gene: NBN (nibrin; minus strand). Cytogenetic location: 8q21.3.
Variant type: Indel.
Coding change: c.2132_2134delinsTTT on transcript NM_002485.5 (MANE Select); coding-DNA positions 2132 to 2134, ATC replaced by TTT.
Protein change: p.His711_His712delinsLeuTyr.
Molecular consequence: missense variant.
Genome position (GRCh38, 1-based): chr8:89,943,303-89,943,305, GAT replaced by AAA on the plus strand (ATC replaced by TTT on the coding strand, the reverse complement: NBN is on the minus strand). VCF-style: chr8-89943303-GAT-AAA. GRCh37 (hg19) VCF-style: chr8-90955531-GAT-AAA.
Other names: c.2132_2134delinsTTT (NM_002485.4); c.1886_1888delinsTTT, p.His629_His630delinsLeuTyr (NM_001024688.3); c.2132_2134delATCinsTTT, p.His711_His712delinsLeuTyr (NM_002485.4).
Identifiers: ClinVar variation 2445772 (VCV002445772.3), dbSNP rs2488191294, ClinGen allele CA2580079015.

ClinVar aggregate classification (germline): Uncertain significance. Review status: criteria provided, multiple submitters, no conflicts (2 of 4 stars). 2 submissions from 2 submitters: Uncertain significance (2). Last evaluated 2025-11-05.

Conditions:
Hereditary cancer-predisposing syndrome. Also called: Neoplastic Syndromes, Hereditary; Hereditary Cancer Syndrome; Tumor predisposition; Hereditary neoplastic syndrome. Identifiers: Orphanet 140162, MedGen C0027672, MeSH D009386, MONDO:0015356.

Submissions (2):

Ambry Genetics
Classification: Uncertain significance for Hereditary cancer-predisposing syndrome. Last evaluated: 2025-11-05. Review status: criteria provided, single submitter. Criteria: Ambry Variant Classification Scheme 2023. Collection method: clinical testing. Allele origin: germline.
Comment: The c.2132_2134delATCinsTTT variant (also known as p.H711_H712delinsLY), located in coding exon 14 of the NBN gene, results from an in-frame deletion of ATC and insertion of TTT at nucleotide positions 2132 to 2134. This results in the substitution of the histidine residues for a leucine and tyrosine residue at codon 711 and 712. This amino acid position is well conserved in available vertebrate species. In addition, this variant is predicted to be deleterious by in silico analysis (Choi Y et al. PLoS ONE. 2012; 7(10):e46688). Based on the available evidence, the clinical significance of this variant remains unclear.

Women's Health and Genetics/Laboratory Corporation of America, LabCorp
Classification: Uncertain significance. Last evaluated: 2023-09-19. Review status: criteria provided, single submitter. Criteria: LabCorp Variant Classification Summary - May 2015. Collection method: clinical testing. Allele origin: germline.
Comment: Variant summary: NBN c.2132_2134delinsTTT (p.His711_His712delinsLeuTyr) results in an in-frame deletion-insertion that is predicted to cause changes in two amino acids of the encoded protein. The variant was absent in 251338 control chromosomes. The available data on variant occurrences in the general population are insufficient to allow any conclusion about variant significance. To our knowledge, no occurrence of c.2132_2134delinsTTT in individuals affected with Nijmegen Breakage Syndrome and no experimental evidence demonstrating its impact on protein function have been reported. No submitters have cited clinical-significance assessments for this variant to ClinVar after 2014. Based on the evidence outlined above, the variant was classified as uncertain significance.